The following is an entry in ClinVar:

ClinVar aggregate classification (germline): Uncertain significance (1 of 4 stars; one submission).

gnomAD v4.1: 50 of 1,608,888 alleles (0.0031%); highest among the groups gnomAD compares: Middle Eastern, 0.033%; no homozygotes.

Submission:

Ambry Genetics
Classification: Uncertain significance. Last evaluated: 2026-05-10. Review status: criteria provided, single submitter. Criteria: Ambry Variant Classification Scheme 2023. Collection method: clinical testing. Allele origin: germline.
Comment: The c.3196G>A (p.G1066S) alteration is located in exon 28 (coding exon 28) of the ANKRD52 gene. This alteration results from a G to A substitution at nucleotide position 3196, causing the glycine (G) at amino acid position 1066 to be replaced by a serine (S). Based on data from gnomAD, the A allele has an overall frequency of 0.002% (4/265410) total alleles studied. The highest observed frequency was 0.007% (2/29630) of South Asian alleles. Based on insufficient or conflicting evidence, the clinical significance of this alteration remains unclear.

NM_173595.4(ANKRD52):c.3196G>A (p.Gly1066Ser)

Genes: ANKRD52 (ankyrin repeat domain 52; minus strand), LOC132090122 (Neanderthal introgressed variant-containing enhancer experimental_29670; plus strand). Cytogenetic location: 12q13.3.
Variant type: single nucleotide variant.
Coding change: c.3196G>A on transcript NM_173595.4 (MANE Select); coding-DNA position 3196, G replaced by A.
Protein change: p.Gly1066Ser; replaces glycine 1066 with serine.
Molecular consequence: missense variant.
Genome position (GRCh38, 1-based): chr12:56,243,177, C>T on the plus strand (G>A on the coding strand, the complement: ANKRD52 is on the minus strand). VCF-style: chr12-56243177-C-T. GRCh37 (hg19) VCF-style: chr12-56636961-C-T.
Other names: short protein forms G1066S.
Identifiers: ClinVar variation 4860089 (VCV004860089.1).